The following is an entry in ClinVar:

NM_020738.4(KIDINS220):c.4746T>G (p.Asp1582Glu)

Gene: KIDINS220 (kinase D interacting substrate 220; minus strand). Cytogenetic location: 2p25.1.
Variant type: single nucleotide variant.
Coding change: c.4746T>G on transcript NM_020738.4 (MANE Select); coding-DNA position 4746, T replaced by G.
Protein change: p.Asp1582Glu; replaces aspartic acid 1582 with glutamic acid.
Molecular consequence: missense variant. On other transcripts: intron variant (6).
Genome position (GRCh38, 1-based): chr2:8,731,290, A>C on the plus strand (T>G on the coding strand, the complement: KIDINS220 is on the minus strand). VCF-style: chr2-8731290-A-C. GRCh37 (hg19) VCF-style: chr2-8871420-A-C.
Other names: c.4749T>G, p.Asp1583Glu (NM_001348729.2); c.4692T>G, p.Asp1564Glu (NM_001348731.2); c.4689T>G, p.Asp1563Glu (NM_001348732.2); c.4578T>G, p.Asp1526Glu (NM_001348734.2); c.4575T>G, p.Asp1525Glu (NM_001348735.2); c.4449T>G, p.Asp1483Glu (NM_001348736.2); c.3882+2154T>G (NM_001348741.2, NM_001348742.2, NM_001348743.2); c.3996+2154T>G (NM_001348738.2); and 1 more; short protein forms D1483E, D1525E, D1526E, D1563E, D1564E, D1582E, D1583E.
Identifiers: ClinVar variation 3354394 (VCV003354394.1).

ClinVar aggregate classification (germline): Uncertain significance (0 of 4 stars; one submission).

Conditions:
KIDINS220-related disorder. Also called: KIDINS220-related condition.

gnomAD v4.1: 6 of 1,613,956 alleles (0.00037%); highest among the groups gnomAD compares: African/African-American, 0.0067%; no homozygotes.

Submission:

PreventionGenetics, part of Exact Sciences
Classification: Uncertain significance for KIDINS220-related condition. Last evaluated: 2024-03-27. Review status: no assertion criteria provided. Collection method: clinical testing. Allele origin: germline.
Comment: The KIDINS220 c.4746T>G variant is predicted to result in the amino acid substitution p.Asp1582Glu. To our knowledge, this variant has not been reported in the literature. This variant is reported in 0.012% of alleles in individuals of African descent in gnomAD. At this time, the clinical significance of this variant is uncertain due to the absence of conclusive functional and genetic evidence.